The following is an entry in ClinVar:

ClinVar aggregate classification (germline): Uncertain significance. Review status: criteria provided, multiple submitters, no conflicts (2 of 4 stars). 2 submissions from 2 submitters: Uncertain significance (2). Last evaluated 2024-11-27.

Conditions:
Inborn genetic diseases. Identifiers: MedGen C0950123, MeSH D030342.
Chédiak-Higashi syndrome (CHS). Also called: Chediak-Higashi Syndrome. Identifiers: Orphanet 167, MedGen C0007965, MONDO:0008963, OMIM 214500.

Allele frequency attached by ClinVar (database versions not stated): gnomAD 0.00005; gnomAD exomes 0.00005.
gnomAD v4.1: 81 of 1,613,552 alleles (0.005%); highest among the groups gnomAD compares: Non-Finnish European, 0.0065%; no homozygotes.

Submissions (2):

Labcorp Genetics (formerly Invitae), Labcorp
Classification: Uncertain significance for Chédiak-Higashi syndrome. Last evaluated: 2024-11-27. Review status: criteria provided, single submitter. Criteria: Invitae Variant Classification Sherloc (09022015). Collection method: clinical testing. Allele origin: germline.
Comment: This sequence change replaces proline, which is neutral and non-polar, with leucine, which is neutral and non-polar, at codon 1085 of the LYST protein (p.Pro1085Leu). This variant is present in population databases (rs774403346, gnomAD 0.003%). This variant has not been reported in the literature in individuals affected with LYST-related conditions. ClinVar contains an entry for this variant (Variation ID: 946210). Invitae Evidence Modeling of protein sequence and biophysical properties (such as structural, functional, and spatial information, amino acid conservation, physicochemical variation, residue mobility, and thermodynamic stability) indicates that this missense variant is not expected to disrupt LYST protein function with a negative predictive value of 80%. In summary, the available evidence is currently insufficient to determine the role of this variant in disease. Therefore, it has been classified as a Variant of Uncertain Significance.

Ambry Genetics
Classification: Uncertain significance for Inborn genetic diseases. Last evaluated: 2024-09-02. Review status: criteria provided, single submitter. Criteria: Ambry Variant Classification Scheme 2023. Collection method: clinical testing. Allele origin: germline.

NM_000081.4(LYST):c.3254C>T (p.Pro1085Leu)

Gene: LYST (lysosomal trafficking regulator; minus strand). Cytogenetic location: 1q42.3.
Variant type: single nucleotide variant.
Coding change: c.3254C>T on transcript NM_000081.4 (MANE Select); coding-DNA position 3254, C replaced by T.
Protein change: p.Pro1085Leu; replaces proline 1085 with leucine.
Molecular consequence: missense variant.
Genome position (GRCh38, 1-based): chr1:235,805,882, G>A on the plus strand (C>T on the coding strand, the complement: LYST is on the minus strand). VCF-style: chr1-235805882-G-A. GRCh37 (hg19) VCF-style: chr1-235969182-G-A.
Other names: c.3254C>T, p.Pro1085Leu (NM_001301365.1); c.3254C>T (NM_000081.2); short protein forms P1085L.
Identifiers: ClinVar variation 946210 (VCV000946210.9), dbSNP rs774403346, ClinGen allele CA39616163.